The following is an entry in ClinVar:

ClinVar aggregate classification (germline): Pathogenic. Review status: criteria provided, multiple submitters, no conflicts (2 of 4 stars). 4 submissions from 4 submitters: Pathogenic (3). 1 of the submissions does not count toward it. Last evaluated 2025-08-13.

Conditions:
Osteogenesis imperfecta (OI). Identifiers: Orphanet 666, MedGen C0029434, MeSH D010013, MONDO:0019019.
Osteogenesis imperfecta type I (OI1). Also called: OI, TYPE I; OSTEOGENESIS IMPERFECTA TARDA; OSTEOGENESIS IMPERFECTA WITH BLUE SCLERAE; Osteogenesis imperfecta type 1; Lobstein disease; Lobstein's Disease. Identifiers: Orphanet 216796, Orphanet 666, MedGen C0023931, MONDO:0008146, OMIM 166200. Disease mechanism: loss of function.
COL1A1-related disorder. Also called: COL1A1- related disease; COL1A1-related condition.

Submissions (4):

Labcorp Genetics (formerly Invitae), Labcorp
Classification: Pathogenic for Osteogenesis imperfecta type I. Last evaluated: 2025-08-13. Review status: criteria provided, single submitter. Criteria: Invitae Variant Classification Sherloc (09022015). Collection method: clinical testing. Allele origin: germline.
Comment: This sequence change creates a premature translational stop signal (p.Cys40*) in the COL1A1 gene. It is expected to result in an absent or disrupted protein product. Loss-of-function variants in COL1A1 are known to be pathogenic (PMID: 7942841, 9295084, 9443882). This variant is not present in population databases (gnomAD no frequency). This premature translational stop signal has been observed in individual(s) with osteogenesis imperfecta (PMID: 30886339, 31319225). ClinVar contains an entry for this variant (Variation ID: 635344). For these reasons, this variant has been classified as Pathogenic.

Blueprint Genetics
Classification: Pathogenic for COL1A1-related disorders. Last evaluated: 2024-11-20. Review status: criteria provided, single submitter. Criteria: ACMG Guidelines, 2015. Collection method: clinical testing. Allele origin: germline. Affected: yes. Observed: 1 variant allele.

Ege University Pediatric Genetics, Ege University
Classification: Pathogenic for Osteogenesis imperfecta. Last evaluated: 2019-05-15. Review status: criteria provided, single submitter. Criteria: ACMG Guidelines, 2015. Collection method: clinical testing. Allele origin: germline. Affected: yes.

PreventionGenetics, part of Exact Sciences
Classification: Pathogenic for COL1A1-related condition. Last evaluated: 2024-09-05. Review status: no assertion criteria provided. Collection method: clinical testing. Allele origin: germline. Not counted in ClinVar's aggregate classification.
Comment: The COL1A1 c.120C>A variant is predicted to result in premature protein termination (p.Cys40*). This variant has been reported in multiple individuals with osteogenesis imperfecta (Additional file 1, Maioli et al. 2019. PubMed ID: 30886339; Isik et al. 2019. PubMed ID: 31319225; Holtz et al. 2023. PubMed ID: 36709916). This variant has not been reported in a large population database, indicating this variant is rare. Nonsense variants in COL1A1 are expected to be pathogenic. This variant is interpreted as pathogenic.

Literature cited by the submitters: PubMed 7942841 (cited by Labcorp Genetics (formerly Invitae), Labcorp); PubMed 9295084 (cited by Labcorp Genetics (formerly Invitae), Labcorp); PubMed 9443882 (cited by Labcorp Genetics (formerly Invitae), Labcorp); PubMed 30886339 (cited by Labcorp Genetics (formerly Invitae), Labcorp); PubMed 31319225 (cited by Labcorp Genetics (formerly Invitae), Labcorp and Ege University Pediatric Genetics, Ege University).

NM_000088.4(COL1A1):c.120C>A (p.Cys40Ter)

Gene: COL1A1 (collagen type I alpha 1 chain; minus strand). Cytogenetic location: 17q21.33.
Variant type: single nucleotide variant.
Coding change: c.120C>A on transcript NM_000088.4 (MANE Select); coding-DNA position 120, C replaced by A.
Protein change: p.Cys40Ter; replaces cysteine 40 with a stop codon.
Molecular consequence: nonsense.
Genome position (GRCh38, 1-based): chr17:50,199,931, G>T on the plus strand (C>A on the coding strand, the complement: COL1A1 is on the minus strand). VCF-style: chr17-50199931-G-T. GRCh37 (hg19) VCF-style: chr17-48277292-G-T.
Other names: short protein forms C40*.
Identifiers: ClinVar variation 635344 (VCV000635344.6), dbSNP rs762780039, ClinGen allele CA400228674.
Genomic context (GRCh38, chr17:50,199,931, plus strand): 5'-GATCCGGCAGGGCTCGGGTTTCCACACGTCTCGGTCATGGTACCTGAGGCCGTTCTGTAC[G>T]CAGGTGATTGGTGGGACTGGGACAGGCGGAAGAGGGGCGTTGTCAGTAGTGACTGCAACC-3'